The following is an entry in ClinVar:

ClinVar aggregate classification (germline): Pathogenic (1 of 4 stars; one submission).

Conditions:
Myofibrillar myopathy 5. Also called: FILAMINOPATHY, AUTOSOMAL DOMINANT; Filaminopathy (type). Identifiers: Orphanet 171445, MedGen C1836050, MONDO:0012289, OMIM 609524.
Distal myopathy with posterior leg and anterior hand involvement. Also called: WILLIAMS DISTAL MYOPATHY. Identifiers: Orphanet 63273, MedGen C3279722, MONDO:0013550, OMIM 614065.
Hypertrophic cardiomyopathy 26. Also called: Cardiomyopathy, familial hypertrophic, 26. Identifiers: Orphanet 75249, MedGen C4310749, MONDO:0014883, OMIM 617047.

Submission:

Labcorp Genetics (formerly Invitae), Labcorp
Classification: Pathogenic for Distal myopathy with posterior leg and anterior hand involvement; Myofibrillar myopathy 5; Hypertrophic cardiomyopathy 26. Last evaluated: 2023-04-26. Review status: criteria provided, single submitter. Criteria: Invitae Variant Classification Sherloc (09022015). Collection method: clinical testing. Allele origin: germline.
Comment: This sequence change creates a premature translational stop signal (p.Tyr1312Serfs*18) in the FLNC gene. It is expected to result in an absent or disrupted protein product. Loss-of-function variants in FLNC are known to be pathogenic (PMID: 27908349). This variant is not present in population databases (gnomAD no frequency). This variant has not been reported in the literature in individuals affected with FLNC-related conditions. ClinVar contains an entry for this variant (Variation ID: 849977). For these reasons, this variant has been classified as Pathogenic.

Literature cited by the submitters: PubMed 27908349.

NM_001458.5(FLNC):c.3933_3937del (p.Tyr1312fs)

Gene: FLNC (filamin C; plus strand). Cytogenetic location: 7q32.1.
Variant type: Deletion.
Coding change: c.3933_3937del on transcript NM_001458.5 (MANE Select); coding-DNA positions 3933 to 3937, 5 bases deleted (CTACC; older notation c.3933_3937delCTACC).
Protein change: p.Tyr1312fs; shifts the reading frame from tyrosine 1312.
Molecular consequence: frameshift variant.
Genome position (GRCh38, 1-based): chr7:128,846,132-128,846,136, CTACC deleted; deleting any 5 consecutive bases within chr7:128,846,131-128,846,136 gives the same sequence; the c. name uses the placement nearest the transcript's 3' end. VCF-style (leftmost placement, unchanged base first): chr7-128846130-ACCTAC-A. GRCh37 (hg19) VCF-style: chr7-128486184-ACCTAC-A.
Other names: c.3933_3937del, p.Tyr1312fs (NM_001127487.2); short protein forms Y1312fs.
Identifiers: ClinVar variation 849977 (VCV000849977.8), dbSNP rs1808555459, ClinGen allele CA916082324.